The following is an entry in ClinVar:

ClinVar aggregate classification (germline): Uncertain significance (1 of 4 stars; one submission).

Conditions:
Familial thoracic aortic aneurysm and aortic dissection (TAAD). Also called: Thoracic aortic aneurysms and dissections. Identifiers: Orphanet 91387, MedGen C4707243, MONDO:0019625.
Marfan syndrome (MFS). Also called: MARFAN SYNDROME, TYPE I; Marfan syndrome type 1; Marfan's syndrome; Marfan syndrome, classic; FBN1-Related Marfan Syndrome. Identifiers: Orphanet 284963, Orphanet 558, MedGen C0024796, MONDO:0007947, OMIM 154700.

Allele frequency attached by ClinVar (database versions not stated): gnomAD exomes below 0.00001.
gnomAD v4.1: 1 of 1,614,046 alleles (0.000062%); highest among the groups gnomAD compares: Admixed American, 0.0017%; no homozygotes.

Submission:

Labcorp Genetics (formerly Invitae), Labcorp
Classification: Uncertain significance for Marfan syndrome; Familial thoracic aortic aneurysm and aortic dissection. Last evaluated: 2025-01-24. Review status: criteria provided, single submitter. Criteria: Invitae Variant Classification Sherloc (09022015). Collection method: clinical testing. Allele origin: germline.
Comment: This sequence change replaces threonine, which is neutral and polar, with isoleucine, which is neutral and non-polar, at codon 382 of the FBN1 protein (p.Thr382Ile). This variant is not present in population databases (gnomAD no frequency). This missense change has been observed in individual(s) with clinical features of Marfan syndrome (internal data). ClinVar contains an entry for this variant (Variation ID: 2177788). An algorithm developed to predict the effect of missense changes on protein structure and function (PolyPhen-2) suggests that this variant is likely to be disruptive. In summary, the available evidence is currently insufficient to determine the role of this variant in disease. Therefore, it has been classified as a Variant of Uncertain Significance.

NM_000138.5(FBN1):c.1145C>T (p.Thr382Ile)

Genes: FBN1 (fibrillin 1; minus strand), LOC113939944 (Sharpr-MPRA regulatory region 9539; plus strand). Cytogenetic location: 15q21.1.
Variant type: single nucleotide variant.
Coding change: c.1145C>T on transcript NM_000138.5 (MANE Select); coding-DNA position 1145, C replaced by T.
Protein change: p.Thr382Ile; replaces threonine 382 with isoleucine.
Molecular consequence: missense variant.
Genome position (GRCh38, 1-based): chr15:48,520,661, G>A on the plus strand (C>T on the coding strand, the complement: FBN1 is on the minus strand). VCF-style: chr15-48520661-G-A. GRCh37 (hg19) VCF-style: chr15-48812858-G-A.
Other names: c.1145C>T, p.Thr382Ile (NM_001406716.1); short protein forms T382I.
Identifiers: ClinVar variation 2177788 (VCV002177788.4), dbSNP rs2043844619, ClinGen allele CA392347000.
Genomic context (GRCh38, chr15:48,520,661, plus strand): 5'-CACTGGGCTTGTGAGGGCTGGGATGGGATATTCTGCAGATAACTGGAAGGGCTCTTACCG[G>A]TTGCTCTGATGGGACACATCTCAGGGGCGACAGTGACCCCTGGAGACCAGCATCGGCCGG-3'
Protein context (NP_000129.3, residues 372-392): VAPEMCPIRA[Thr382Ile]EDFNKLCSVP